The following is an entry in ClinVar:

NM_001793.6(CDH3):c.1845T>C (p.Tyr615=)

Gene: CDH3 (cadherin 3; plus strand). Cytogenetic location: 16q22.1.
Variant type: single nucleotide variant.
Coding change: c.1845T>C on transcript NM_001793.6 (MANE Select); coding-DNA position 1845, T replaced by C.
Protein change: p.Tyr615=; no amino-acid change (tyrosine 615 retained).
Molecular consequence: synonymous variant.
Genome position (GRCh38, 1-based): chr16:68,691,769, T>C. VCF-style: chr16-68691769-T-C. GRCh37 (hg19) VCF-style: chr16-68725672-T-C.
Other names: c.1845T>C, p.Tyr615= (NM_001317195.3); c.1680T>C, p.Tyr560= (NM_001317196.2); c.1845T>C (NM_001793.5).
Identifiers: ClinVar variation 1611279 (VCV001611279.11), dbSNP rs749415054, ClinGen allele CA8129497.
Genomic context (GRCh38, chr16:68,691,769, plus strand): 5'-GTTCACTCCAGGTGACACAGTGGTCTTGTCCCTGAAGAAGTTCCTGAAGCAGGATACATA[T>C]GACGTGCACCTTTCTCTGTCTGACCATGGCAACAAAGAGCAGCTGACGGTGATCAGGGCC-3'
Protein context (NP_001784.2, residues 605-625): SLKKFLKQDT[Tyr615=]DVHLSLSDHG

ClinVar aggregate classification (germline): Likely benign. Review status: criteria provided, multiple submitters, no conflicts (2 of 4 stars). 3 submissions from 3 submitters: Likely benign (2). 1 of the submissions does not count toward it. Last evaluated 2024-07-08.

Conditions:
CDH3-related disorder. Also called: CDH3-related condition.

Allele frequency attached by ClinVar (database versions not stated): ExAC 0.00002; gnomAD 0.00002; TOPMed 0.00003; gnomAD exomes 0.00004.
gnomAD v4.1: 19 of 1,614,048 alleles (0.0012%); highest among the groups gnomAD compares: Admixed American, 0.027%; no homozygotes.

Submissions (3):

Labcorp Genetics (formerly Invitae), Labcorp
Classification: Likely benign. Last evaluated: 2024-07-08. Review status: criteria provided, single submitter. Criteria: Invitae Variant Classification Sherloc (09022015). Collection method: clinical testing. Allele origin: germline.

Blueprint Genetics
Classification: Likely benign. Last evaluated: 2019-08-02. Review status: criteria provided, single submitter. Criteria: ACMG Guidelines, 2015. Collection method: clinical testing. Allele origin: germline.

PreventionGenetics, part of Exact Sciences
Classification: Likely benign for CDH3-related condition. Last evaluated: 2022-01-19. Review status: no assertion criteria provided. Collection method: clinical testing. Allele origin: germline. Not counted in ClinVar's aggregate classification.
Comment: This variant is classified as likely benign based on ACMG/AMP sequence variant interpretation guidelines (Richards et al. 2015 PMID: 25741868, with internal and published modifications).